The following is an entry in ClinVar:

NM_002240.5(KCNJ6):c.207C>T (p.Asn69=)

Genes: KCNJ6 (potassium inwardly rectifying channel subfamily J member 6; minus strand), KCNJ6-AS1 (KCNJ6 antisense RNA 1; plus strand). Cytogenetic location: 21q22.13.
Variant type: single nucleotide variant.
Coding change: c.207C>T on transcript NM_002240.5 (MANE Select); coding-DNA position 207, C replaced by T.
Protein change: p.Asn69=; no amino-acid change (asparagine 69 retained).
Molecular consequence: synonymous variant.
Genome position (GRCh38, 1-based): chr21:37,714,950, G>A on the plus strand (C>T on the coding strand, the complement: KCNJ6 is on the minus strand). VCF-style: chr21-37714950-G-A. GRCh37 (hg19) VCF-style: chr21-39087253-G-A.
Identifiers: ClinVar variation 735390 (VCV000735390.27), dbSNP rs201815398, ClinGen allele CA10024339.

ClinVar aggregate classification (germline): Likely benign. Review status: criteria provided, multiple submitters, no conflicts (2 of 4 stars). 3 submissions from 3 submitters: Likely benign (3). Last evaluated 2025-09-24.

Allele frequency attached by ClinVar (database versions not stated): gnomAD exomes 0.00004 and 0.00005; ExAC 0.00010; 1000 Genomes Project 0.00020; gnomAD 0.00023 and 0.00024; ESP Exome Variant Server 0.00024; TOPMed 0.00026; 1000 Genomes Project 30x 0.00031.
gnomAD v4.1: 97 of 1,614,222 alleles (0.006%); highest among the groups gnomAD compares: African/African-American, 0.097%; no homozygotes.

Submissions (3):

Labcorp Genetics (formerly Invitae), Labcorp
Classification: Likely benign. Last evaluated: 2025-09-24. Review status: criteria provided, single submitter. Criteria: Invitae Variant Classification Sherloc (09022015). Collection method: clinical testing. Allele origin: germline.

CeGaT Center for Human Genetics Tuebingen
Classification: Likely benign. Last evaluated: 2024-07-01. Review status: criteria provided, single submitter. Criteria: CeGaT Center For Human Genetics Tuebingen Variant Classification Criteria Version 2. Collection method: clinical testing. Allele origin: germline. Affected: yes. Observed: 1 variant allele.
Comment: KCNJ6: BP4, BP7

Breakthrough Genomics
Classification: Likely benign. Review status: criteria provided, single submitter. Criteria: ACMG Guidelines, 2015. Collection method: not provided. Allele origin: germline. Inheritance: Autosomal dominant inheritance. Affected: yes.